The following is an entry in ClinVar:

NM_001365951.3(KIF1B):c.3130-15C>G

Gene: KIF1B (kinesin family member 1B; plus strand). Cytogenetic location: 1p36.22.
Variant type: single nucleotide variant.
Coding change: c.3130-15C>G on transcript NM_001365951.3 (MANE Select); 15 bases into the intron before coding-DNA position 3130, C replaced by G.
Molecular consequence: intron variant.
Genome position (GRCh38, 1-based): chr1:10,337,059, C>G. VCF-style: chr1-10337059-C-G. GRCh37 (hg19) VCF-style: chr1-10397117-C-G.
Other names: c.2992-15C>G (NM_015074.3); c.3130-15C>G (NM_001365952.1).
Identifiers: ClinVar variation 3774385 (VCV003774385.2).

ClinVar aggregate classification (germline): Conflicting classifications of pathogenicity. Review status: criteria provided, conflicting classifications (1 of 4 stars). 2 submissions from 2 submitters: Uncertain significance (1); Likely benign (1). Last evaluated 2025-05-26.

Conditions:
Charcot-Marie-Tooth disease type 2. Also called: Charcot-Marie-Tooth type 2. Identifiers: Orphanet 64746, MedGen C0270914, MONDO:0018993.
Hereditary cancer-predisposing syndrome. Also called: Neoplastic Syndromes, Hereditary; Tumor predisposition; Hereditary neoplastic syndrome; Hereditary Cancer Syndrome. Identifiers: Orphanet 140162, MedGen C0027672, MeSH D009386, MONDO:0015356.

gnomAD v4.1: 1 of 1,614,140 alleles (0.000062%); highest among the groups gnomAD compares: Admixed American, 0.0017%; no homozygotes.

Submissions (2):

Labcorp Genetics (formerly Invitae), Labcorp
Classification: Likely benign for Charcot-Marie-Tooth disease type 2. Last evaluated: 2025-05-26. Review status: criteria provided, single submitter. Criteria: Invitae Variant Classification Sherloc (09022015). Collection method: clinical testing. Allele origin: germline.

Molecular Diagnostics Laboratory, Catalan Institute of Oncology
Classification: Uncertain significance for Hereditary cancer-predisposing syndrome. Last evaluated: 2024-09-04. Review status: criteria provided, single submitter. Criteria: ACMG Guidelines, 2015. Collection method: clinical testing. Allele origin: germline.
Comment: PM2_Supporting, BP4 KIF1B:c.2992-15C>G is an intronic variant located close to a canonical splice site. This variant is found in 1/268160 alleles at a frequency of 0.0004% in the gnomAD v2.1.1 database, non-cancer dataset (PM2_supporting). The SpliceAI algorithm predicts no significant impact on splicing (BP4). To our knowledge, neither relevant clinical data nor well-established functional studies have been reported for this variant. This variant has not been reported in ClinVar or LOVD databases. Based on currently available information, the variant c.2992-15C>G should be considered an uncertain significance variant.